The following continues an entry in ClinVar:

NM_024063.3(AFG2B):c.527G>T (p.Gly176Val)

Gene: AFG2B. ClinVar aggregate classification (germline): Conflicting classifications of pathogenicity. Pathogenic (7); Likely pathogenic (6); Uncertain significance (1).

Submissions 10 to 18 of 18:

Department of Pathology and Laboratory Medicine, Sinai Health System
Classification: Likely pathogenic for hearing loss, autosomal recessive 119. Last evaluated: 2023-01-30. Review status: criteria provided, single submitter. Criteria: ACMG Guidelines, 2015. Collection method: research. Allele origin: germline.

GeneDx
Classification: Likely pathogenic. Last evaluated: 2022-03-16. Review status: criteria provided, single submitter. Criteria: GeneDx Variant Classification Process June 2021. Collection method: clinical testing. Allele origin: germline. Affected: yes.
Comment: In silico analysis supports that this missense variant does not alter protein structure/function; This variant is associated with the following publications: (PMID: 34626583)

Genomic Medicine, Universita Cattolica del Sacro Cuore
Classification: Likely pathogenic. Last evaluated: 2021-08-03. Review status: criteria provided, single submitter. Criteria: ACMG Guidelines, 2015. Collection method: clinical testing. Allele origin: maternal. Inheritance: Autosomal recessive inheritance. Affected: yes. Observed: 1 variant allele, 1 compound heterozygote.

Institute of Human Genetics Munich, TUM University Hospital
Classification: Pathogenic for SPATA5L1-associated disorder. Last evaluated: 2020-06-24. Review status: criteria provided, single submitter. Criteria: Classification criteria August 2017. Collection method: clinical testing. Allele origin: paternal, maternal. Inheritance: Autosomal recessive inheritance. Affected: yes. Observed: 2 compound heterozygotes. Clinical features observed: Hearing impairment (HP:0000365), Cerebral palsy (HP:0100021), Dysphagia (HP:0002015), Visual impairment (HP:0000505), Global developmental delay (HP:0025356), Developmental dysplasia of the hip (HP:0001385), Spastic diplegia (HP:0001264), Microcephaly (HP:0000252), Dystonic disorder (HP:0001332), Gastroesophageal reflux (HP:0002020), Hypotonia (HP:0001252), Sensorineural hearing loss disorder (HP:0000407), and 1 more.

Centre de Biologie Pathologie Génétique, Centre Hospitalier Universitaire de Lille
Classification: Likely pathogenic for Neurodevelopmental delay. Review status: criteria provided, single submitter. Criteria: ACMG Guidelines, 2015. Collection method: clinical testing. Allele origin: biparental. Affected: yes.

PreventionGenetics, part of Exact Sciences
Classification: Likely pathogenic for AFG2B-related condition. Last evaluated: 2024-03-01. Review status: no assertion criteria provided. Collection method: clinical testing. Allele origin: germline. Not counted in ClinVar's aggregate classification.
Comment: The AFG2B c.527G>T variant is predicted to result in the amino acid substitution p.Gly176Val. This variant has been reported in the compound heterozygous state in individuals with intellectual disability, spastic-dystonic cerebral palsy, epilepsy, and hearing loss (Richard et al 2021. PubMed ID: 34626583). This variant is reported in 0.20% of alleles in individuals of Ashkenazi Jewish descent in gnomAD and is interpreted as pathogenic/likely pathogenic by several laboratories in ClinVar. Taken together, this variant is interpreted as likely pathogenic.

OMIM
Classification: Pathogenic for DEAFNESS, AUTOSOMAL RECESSIVE 119. Last evaluated: 2023-04-19. Review status: no assertion criteria provided. Collection method: literature only. Allele origin: germline. Not counted in ClinVar's aggregate classification.

OMIM
Classification: Pathogenic for NEURODEVELOPMENTAL DISORDER WITH HEARING LOSS AND SPASTICITY. Last evaluated: 2023-04-19. Review status: no assertion criteria provided. Collection method: literature only. Allele origin: germline. Not counted in ClinVar's aggregate classification.

Undiagnosed Diseases Network, NIH
Classification: Likely pathogenic for Neurodevelopmental disorder with hearing loss and spasticity. Last evaluated: 2022-12-21. Review status: no assertion criteria provided. Collection method: clinical testing. Allele origin: maternal. Affected: yes. Observed: 1 variant allele, 1 compound heterozygote. Study: Undiagnosed Diseases Network (NIH), UDN. Not counted in ClinVar's aggregate classification.

Literature cited by the submitters: PubMed 34626583 (cited by 5 submitters); PubMed 37902276 (cited by Rady Children's Institute for Genomic Medicine, Rady Children's Hospital San Diego and Ambry Genetics); PubMed 39333051 (cited by Rady Children's Institute for Genomic Medicine, Rady Children's Hospital San Diego); PubMed 38855775 (cited by Ambry Genetics); PubMed 26138355 (cited by Pittsburgh Clinical Genomics Laboratory, University of Pittsburgh Medical Center).